The following is an entry in ClinVar:

NM_001375524.1(TRRAP):c.8499-11_8499-10del

Gene: TRRAP (transformation/transcription domain associated protein; plus strand). Cytogenetic location: 7q22.1.
Variant type: Microsatellite.
Coding change: c.8499-11_8499-10del on transcript NM_001375524.1 (MANE Select); 11 bases into the intron before coding-DNA position 8499 through 10 bases into the intron before coding-DNA position 8499, 2 bases deleted (TG; older notation c.8499-11_8499-10delTG).
Molecular consequence: intron variant.
Genome position (GRCh38, 1-based): chr7:98,978,758-98,978,759, TG deleted; deleting any 2 consecutive bases within chr7:98,978,756-98,978,759 gives the same sequence; the c. name uses the placement nearest the transcript's 3' end. VCF-style (leftmost placement, unchanged base first): chr7-98978755-CTG-C. GRCh37 (hg19) VCF-style: chr7-98576378-CTG-C.
Other names: c.8478-11_8478-10del (NM_001244580.2); c.8424-11_8424-10del (NM_003496.4).
Identifiers: ClinVar variation 4883969 (VCV004883969.2).
Genomic context (GRCh38, chr7:98,978,755, plus strand): 5'-CCCTGTCCCTGCCTTTGTGAATTCATGAGTGTGCTGGTGATTGAGCTTTTGCTCTGGGAT[CTG>C]TGGTCTTCTAGATGCTCCAAGGAATTGAACCAGTGGGAAGCCCTGACGGAGTACGGTCAG-3'

ClinVar aggregate classification (germline): Uncertain significance (1 of 4 stars; one submission).

Submission:

Dasa
Classification: Uncertain significance. Last evaluated: 2024-08-09. Review status: criteria provided, single submitter. Criteria: DASA Assertion Criteria. Collection method: clinical testing. Allele origin: germline.
Comment: NM_001375524.1(TRRAP):c.8499-11_8499-10del is an intronic variant. This variant is absent from population databases. Computational prediction algorithms are consistent with a benign effect. The currently available literature and clinical evidence are not sufficient to establish a definitive association between this variant and the reported condition. Therefore, this variant is classified as a variant of uncertain significance.